The following is an entry in ClinVar:

ClinVar aggregate classification (germline): Uncertain significance (1 of 4 stars; one submission).

Allele frequency attached by ClinVar (database versions not stated): gnomAD exomes 0.00002; ExAC 0.00003.
gnomAD v4.1: 6 of 1,614,158 alleles (0.00037%); highest among the groups gnomAD compares: Non-Finnish European, 0.00051%; no homozygotes.

Submission:

Labcorp Genetics (formerly Invitae), Labcorp
Classification: Uncertain significance. Last evaluated: 2021-07-26. Review status: criteria provided, single submitter. Criteria: Invitae Variant Classification Sherloc (09022015). Collection method: clinical testing. Allele origin: germline.
Comment: In summary, the available evidence is currently insufficient to determine the role of this variant in disease. Therefore, it has been classified as a Variant of Uncertain Significance. Algorithms developed to predict the effect of missense changes on protein structure and function are either unavailable or do not agree on the potential impact of this missense change (SIFT: "Deleterious"; PolyPhen-2: "Benign"; Align-GVGD: "Class C65"). This variant has not been reported in the literature in individuals affected with MYH3-related conditions. This variant is present in population databases (rs768454794, ExAC 0.006%). This sequence change replaces serine with isoleucine at codon 1258 of the MYH3 protein (p.Ser1258Ile). The serine residue is highly conserved and there is a large physicochemical difference between serine and isoleucine.

NM_002470.4(MYH3):c.3773G>T (p.Ser1258Ile)

Gene: MYH3 (myosin heavy chain 3; minus strand). Cytogenetic location: 17p13.1.
Variant type: single nucleotide variant.
Coding change: c.3773G>T on transcript NM_002470.4 (MANE Select); coding-DNA position 3773, G replaced by T.
Protein change: p.Ser1258Ile; replaces serine 1258 with isoleucine.
Molecular consequence: missense variant.
Genome position (GRCh38, 1-based): chr17:10,637,892, C>A on the plus strand (G>T on the coding strand, the complement: MYH3 is on the minus strand). VCF-style: chr17-10637892-C-A. GRCh37 (hg19) VCF-style: chr17-10541209-C-A.
Other names: short protein forms S1258I.
Identifiers: ClinVar variation 1512575 (VCV001512575.8), dbSNP rs768454794, ClinGen allele CA8392408.
Genomic context (GRCh38, chr17:10,637,892, plus strand): 5'-TTCTGTGTGGTCAGCTCGCTCAGGCTCCTCTGAATTTCCTCATTCTTGCCCCTGGCCTCA[C>A]TTAACTGATCCTCCAGGGTTCGGCAGATTTTTTCCAGATTTGCCTGAAGGATTCAGAAAG-3'
Protein context (NP_002461.2, residues 1248-1268): KICRTLEDQL[Ser1258Ile]EARGKNEEIQ